The following is an entry in ClinVar:

ClinVar aggregate classification (germline): Likely benign. Review status: criteria provided, single submitter (1 of 4 stars). 2 submissions from 2 submitters: Likely benign (1). 1 of the submissions does not count toward it. Last evaluated 2021-06-12.

Conditions:
SLIT2-related disorder. Also called: SLIT2-related condition.

Allele frequency attached by ClinVar (database versions not stated): gnomAD exomes 0.00004 and 0.00015; ExAC 0.00006; TOPMed 0.00007; gnomAD 0.00009 and 0.00010; ESP Exome Variant Server 0.00015.
gnomAD v4.1: 228 of 1,613,378 alleles (0.014%); highest among the groups gnomAD compares: Non-Finnish European, 0.019%; no homozygotes.

Submissions (2):

Labcorp Genetics (formerly Invitae), Labcorp
Classification: Likely benign. Last evaluated: 2021-06-12. Review status: criteria provided, single submitter. Criteria: Invitae Variant Classification Sherloc (09022015). Collection method: clinical testing. Allele origin: germline.

PreventionGenetics, part of Exact Sciences
Classification: Likely benign for SLIT2-related condition. Last evaluated: 2019-08-22. Review status: no assertion criteria provided. Collection method: clinical testing. Allele origin: germline. Not counted in ClinVar's aggregate classification.
Comment: This variant is classified as likely benign based on ACMG/AMP sequence variant interpretation guidelines (Richards et al. 2015 PMID: 25741868, with internal and published modifications).

NM_004787.4(SLIT2):c.4137-4G>A

Gene: SLIT2 (slit guidance ligand 2; plus strand). Cytogenetic location: 4p15.31.
Variant type: single nucleotide variant.
Coding change: c.4137-4G>A on transcript NM_004787.4 (MANE Select); 4 bases into the intron before coding-DNA position 4137, G replaced by A.
Molecular consequence: intron variant.
Genome position (GRCh38, 1-based): chr4:20,617,435, G>A. VCF-style: chr4-20617435-G-A. GRCh37 (hg19) VCF-style: chr4-20619058-G-A.
Other names: c.4125-4G>A (NM_001289135.3); c.4113-4G>A (NM_001289136.3); c.4137-4G>A (NM_004787.3).
Identifiers: ClinVar variation 1584925 (VCV001584925.10), dbSNP rs375740248, ClinGen allele CA2872372.